The following is an entry in ClinVar:

NM_000520.6(HEXA):c.1435del (p.Ala479fs)

Gene: HEXA (hexosaminidase subunit alpha; minus strand). Cytogenetic location: 15q23.
Variant type: Deletion.
Coding change: c.1435del on transcript NM_000520.6 (MANE Select); coding-DNA position 1435, one base deleted (G; older notation c.1435delG).
Protein change: p.Ala479fs; shifts the reading frame from alanine 479.
Molecular consequence: frameshift variant. On other transcripts: non-coding transcript variant (1).
Genome position (GRCh38, 1-based): chr15:72,345,537, C deleted on the plus strand (G on the coding strand, the reverse complement: HEXA is on the minus strand); the first of 4 consecutive C bases (chr15:72,345,537-72,345,540); deleting any one gives the same sequence. VCF-style (leftmost placement, unchanged base first): chr15-72345536-GC-G. GRCh37 (hg19) VCF-style: chr15-72637877-GC-G.
Other names: c.1468del, p.Ala490fs (NM_001318825.2); c.1435delG (NM_000520.5); short protein forms A490fs, A479fs.
Identifiers: ClinVar variation 1459589 (VCV001459589.7), dbSNP rs2088601317, ClinGen allele CA2186743294.
Genomic context (GRCh38, chr15:72,345,536, plus strand): 5'-CGTTCATAGGCAAATGTCAGGTCAGATGTCAACTTGTTGCTCCACAGCCTTTCGGCAACA[GC>G]CCCTGCTCTGGGCCTGGAGGAAAAGGGGCATGTGCCAGATTGGGCCCTGTATTCCCTGCA-3'

ClinVar aggregate classification (germline): Pathogenic/Likely pathogenic. Review status: criteria provided, multiple submitters, no conflicts (2 of 4 stars). 3 submissions from 3 submitters: Pathogenic (2); Likely pathogenic (1). Last evaluated 2024-09-10.

Conditions:
Tay-Sachs disease (TSD). Also called: HEXA DEFICIENCY; GM2 gangliosidosis, type 1; Hexosaminidase alpha-subunit deficiency (variant B); Sphingolipidosis, Tay-Sachs; Hexosaminidase A Deficiency; HEXA Disorders. Identifiers: Orphanet 845, MedGen C0039373, MONDO:0010100, OMIM 272800.

Submissions (3):

Natera, Inc.
Classification: Likely pathogenic for Tay-Sachs disease. Last evaluated: 2024-09-10. Review status: criteria provided, single submitter. Criteria: Natera Variant Classification Schema (03/2026). Collection method: clinical testing. Allele origin: germline.
Comment: The c.1435delG variant in HEXA is a frameshift variant predicted to shift the reading frame beginning at codon 479 and leads to a stop codon 11 codons downstream. This variant is expected to result in nonsense mediated decay, truncation, or a dysfunctional protein product. This variant is rare in the general population with a frequency below the threshold expected for the associated phenotype(s). Given the available evidence, this variant is classified as Likely Pathogenic.

Women's Health and Genetics/Laboratory Corporation of America, LabCorp
Classification: Pathogenic for Tay-Sachs disease. Last evaluated: 2023-08-02. Review status: criteria provided, single submitter. Criteria: LabCorp Variant Classification Summary - May 2015. Collection method: clinical testing. Allele origin: germline.
Comment: Variant summary: HEXA c.1435delG (p.Ala479LeufsX11) results in a premature termination codon, predicted to cause absence of the protein due to nonsense mediated decay, which is a commonly known mechanism for disease. The variant was absent in 251392 control chromosomes (gnomAD). To our knowledge, no occurrence of c.1435delG in individuals affected with Tay-Sachs Disease and no experimental evidence demonstrating its impact on protein function have been reported. One submitter has cited a clinical-significance assessment for this variant to ClinVar after 2014 and has classified the variant as pathogenic. Based on the evidence outlined above, the variant was classified as pathogenic.

Labcorp Genetics (formerly Invitae), Labcorp
Classification: Pathogenic for Tay-Sachs disease. Last evaluated: 2022-12-18. Review status: criteria provided, single submitter. Criteria: Invitae Variant Classification Sherloc (09022015). Collection method: clinical testing. Allele origin: germline.
Comment: For these reasons, this variant has been classified as Pathogenic. This sequence change creates a premature translational stop signal (p.Ala479Leufs*11) in the HEXA gene. It is expected to result in an absent or disrupted protein product. Loss-of-function variants in HEXA are known to be pathogenic (PMID: 1833974, 8490625). This variant is not present in population databases (gnomAD no frequency). This variant has not been reported in the literature in individuals affected with HEXA-related conditions. ClinVar contains an entry for this variant (Variation ID: 1459589).

Literature cited by the submitters: PubMed 1833974 (cited by Labcorp Genetics (formerly Invitae), Labcorp); PubMed 8490625 (cited by Labcorp Genetics (formerly Invitae), Labcorp).